The following is an entry in ClinVar:

ClinVar aggregate classification (germline): Uncertain significance. Review status: criteria provided, multiple submitters, no conflicts (2 of 4 stars). 2 submissions from 2 submitters: Uncertain significance (2). Last evaluated 2024-11-26.

Conditions:
Hereditary cancer-predisposing syndrome. Also called: Tumor predisposition; Hereditary neoplastic syndrome; Neoplastic Syndromes, Hereditary; Hereditary Cancer Syndrome. Identifiers: Orphanet 140162, MedGen C0027672, MeSH D009386, MONDO:0015356.
Pheochromocytoma. Also called: MAX-Related Hereditary Paraganglioma-Pheochromocytoma Syndrome. Identifiers: Orphanet 29072, MedGen C0031511, MONDO:0008233, OMIM 171300, HP:0002666.
Pheochromocytoma/paraganglioma syndrome 4. Also called: SDHB-Related Hereditary Paraganglioma-Pheochromocytoma Syndrome (Paragangliomas 4); CAROTID BODY TUMORS AND MULTIPLE EXTRAADRENAL PHEOCHROMOCYTOMAS; PARAGANGLIOMA, FAMILIAL MALIGNANT; PARAGANGLIOMAS, HEREDITARY EXTRAADRENAL; SDHB-Related Hereditary Paraganglioma-Pheochromocytoma Syndrome; PHEOCHROMOCYTOMA, FAMILIAL EXTRAADRENAL. Identifiers: Orphanet 29072, MedGen C1861848, MONDO:0007273, OMIM 115310.
Gastrointestinal stromal tumor. Also called: Gastrointestinal stroma tumor; Gastrointestinal stromal tumor, somatic. Identifiers: Orphanet 44890, MedGen C0238198, MeSH D046152, MONDO:0011719, OMIM 606764, HP:0100723.

Submissions (2):

Ambry Genetics
Classification: Uncertain significance for Hereditary cancer-predisposing syndrome. Last evaluated: 2024-11-26. Review status: criteria provided, single submitter. Criteria: Ambry Variant Classification Scheme 2023. Collection method: clinical testing. Allele origin: germline.
Comment: The p.F89L variant (also known as c.267C>G), located in coding exon 3 of the SDHB gene, results from a C to G substitution at nucleotide position 267. The phenylalanine at codon 89 is replaced by leucine, an amino acid with highly similar properties. This amino acid position is highly conserved in available vertebrate species. In addition, this alteration is predicted to be deleterious by in silico analysis. Based on the available evidence, the clinical significance of this variant remains unclear.

Labcorp Genetics (formerly Invitae), Labcorp
Classification: Uncertain significance for Gastrointestinal stromal tumor; Pheochromocytoma/paraganglioma syndrome 4; Pheochromocytoma. Last evaluated: 2023-08-05. Review status: criteria provided, single submitter. Criteria: Invitae Variant Classification Sherloc (09022015). Collection method: clinical testing. Allele origin: germline.
Comment: This variant has not been reported in the literature in individuals affected with SDHB-related conditions. This sequence change replaces phenylalanine, which is neutral and non-polar, with leucine, which is neutral and non-polar, at codon 89 of the SDHB protein (p.Phe89Leu). This variant is not present in population databases (gnomAD no frequency). ClinVar contains an entry for this variant (Variation ID: 459141). Advanced modeling of protein sequence and biophysical properties (such as structural, functional, and spatial information, amino acid conservation, physicochemical variation, residue mobility, and thermodynamic stability) performed at Invitae indicates that this missense variant is not expected to disrupt SDHB protein function. In summary, the available evidence is currently insufficient to determine the role of this variant in disease. Therefore, it has been classified as a Variant of Uncertain Significance.

NM_003000.3(SDHB):c.267C>G (p.Phe89Leu)

Gene: SDHB (succinate dehydrogenase complex iron sulfur subunit B; minus strand). Cytogenetic location: 1p36.13.
Variant type: single nucleotide variant.
Coding change: c.267C>G on transcript NM_003000.3 (MANE Select); coding-DNA position 267, C replaced by G.
Protein change: p.Phe89Leu; replaces phenylalanine 89 with leucine.
Molecular consequence: missense variant.
Genome position (GRCh38, 1-based): chr1:17,033,079, G>C on the plus strand (C>G on the coding strand, the complement: SDHB is on the minus strand). VCF-style: chr1-17033079-G-C. GRCh37 (hg19) VCF-style: chr1-17359574-G-C.
Other names: short protein forms F89L.
Identifiers: ClinVar variation 459141 (VCV000459141.9), dbSNP rs1553178042, ClinGen allele CA338276448.